The following is an entry in ClinVar:

ClinVar aggregate classification (germline): Uncertain significance. Review status: criteria provided, multiple submitters, no conflicts (2 of 4 stars). 2 submissions from 2 submitters: Uncertain significance (2). Last evaluated 2025-12-15.

Conditions:
Inborn genetic diseases. Identifiers: MedGen C0950123, MeSH D030342.
Holocarboxylase synthetase deficiency. Also called: MULTIPLE CARBOXYLASE DEFICIENCY, EARLY ONSET. Identifiers: Orphanet 79242, MedGen C0268581, MONDO:0009666, OMIM 253270.

Allele frequency attached by ClinVar (database versions not stated): gnomAD exomes below 0.00001; TOPMed 0.00001.
gnomAD v4.1: 7 of 1,614,142 alleles (0.00043%); highest among the groups gnomAD compares: South Asian, 0.0066%; 1 homozygote.

Submissions (2):

Ambry Genetics
Classification: Uncertain significance for Inborn genetic diseases. Last evaluated: 2025-12-15. Review status: criteria provided, single submitter. Criteria: Ambry Variant Classification Scheme 2023. Collection method: clinical testing. Allele origin: germline.

Labcorp Genetics (formerly Invitae), Labcorp
Classification: Uncertain significance for Holocarboxylase synthetase deficiency. Last evaluated: 2022-02-12. Review status: criteria provided, single submitter. Criteria: Invitae Variant Classification Sherloc (09022015). Collection method: clinical testing. Allele origin: germline.
Comment: This sequence change replaces tyrosine, which is neutral and polar, with histidine, which is basic and polar, at codon 291 of the HLCS protein (p.Tyr291His). This variant is present in population databases (rs760644309, gnomAD 0.01%). This variant has not been reported in the literature in individuals affected with HLCS-related conditions. Algorithms developed to predict the effect of missense changes on protein structure and function are either unavailable or do not agree on the potential impact of this missense change (SIFT: "Tolerated"; PolyPhen-2: "Possibly Damaging"; Align-GVGD: "Class C0"). In summary, the available evidence is currently insufficient to determine the role of this variant in disease. Therefore, it has been classified as a Variant of Uncertain Significance.

NM_001352514.2(HLCS):c.1312T>C (p.Tyr438His)

Gene: HLCS (holocarboxylase synthetase; minus strand). Cytogenetic location: 21q22.13.
Variant type: single nucleotide variant.
Coding change: c.1312T>C on transcript NM_001352514.2 (MANE Select); coding-DNA position 1312, T replaced by C.
Protein change: p.Tyr438His; replaces tyrosine 438 with histidine.
Molecular consequence: missense variant. On other transcripts: non-coding transcript variant (2).
Genome position (GRCh38, 1-based): chr21:36,936,574, A>G on the plus strand (T>C on the coding strand, the complement: HLCS is on the minus strand). VCF-style: chr21-36936574-A-G. GRCh37 (hg19) VCF-style: chr21-38308874-A-G.
Other names: c.871T>C, p.Tyr291His (NM_000411.8, NM_001242784.3, NM_001242785.2 and 4 more transcripts); c.871T>C (NM_000411.6); short protein forms Y438H, Y291H.
Identifiers: ClinVar variation 2050380 (VCV002050380.2), dbSNP rs760644309, ClinGen allele CA10020601.